The following is an entry in ClinVar:

ClinVar aggregate classification (germline): Uncertain significance (1 of 4 stars; one submission).

Conditions:
Autosomal dominant Alport syndrome (ATS3A). Also called: ALPORT SYNDROME 3A, AUTOSOMAL DOMINANT; Alport syndrome dominant type; Renal failure and sensorineural hearing loss. Identifiers: Orphanet 63, Orphanet 88918, MedGen C5882663, MONDO:0007086, OMIM 104200.

gnomAD v4.1: 1 of 1,614,156 alleles (0.000062%); highest among the groups gnomAD compares: East Asian, 0.0022%; no homozygotes.

Submission:

MVZ Medizinische Genetik Mainz
Classification: Uncertain significance for Autosomal dominant Alport syndrome. Last evaluated: 2023-04-05. Review status: criteria provided, single submitter. Criteria: UK Practice Guidelines For Variant Classification V4 01 2020. Collection method: clinical testing. Allele origin: germline. Inheritance: Autosomal dominant inheritance. Affected: yes. Observed: 1 variant allele.
Comment: ACMG Criteria: PM2_SUP,PP4,BP4

NM_000091.5(COL4A3):c.4033C>G (p.Arg1345Gly)

Genes: MFF-DT (MFF divergent transcript; minus strand), COL4A3 (collagen type IV alpha 3 chain; plus strand). Cytogenetic location: 2q36.3.
Variant type: single nucleotide variant.
Coding change: c.4033C>G on transcript NM_000091.5 (MANE Select); coding-DNA position 4033, C replaced by G.
Protein change: p.Arg1345Gly; replaces arginine 1345 with glycine.
Molecular consequence: missense variant.
Genome position (GRCh38, 1-based): chr2:227,304,024, C>G. VCF-style: chr2-227304024-C-G. GRCh37 (hg19) VCF-style: chr2-228168740-C-G.
Other names: short protein forms R1345G.
Identifiers: ClinVar variation 3068348 (VCV003068348.1), dbSNP rs369088928, ClinGen allele CA350862693.